The following is an entry in ClinVar:

NM_003000.3(SDHB):c.124T>A (p.Phe42Ile)

Gene: SDHB (succinate dehydrogenase complex iron sulfur subunit B; minus strand). Cytogenetic location: 1p36.13.
Variant type: single nucleotide variant.
Coding change: c.124T>A on transcript NM_003000.3 (MANE Select); coding-DNA position 124, T replaced by A.
Protein change: p.Phe42Ile; replaces phenylalanine 42 with isoleucine.
Molecular consequence: missense variant.
Genome position (GRCh38, 1-based): chr1:17,044,837, A>T on the plus strand (T>A on the coding strand, the complement: SDHB is on the minus strand). VCF-style: chr1-17044837-A-T. GRCh37 (hg19) VCF-style: chr1-17371332-A-T.
Other names: c.124T>A, p.Phe42Ile (NM_001407361.1); short protein forms F42I.
Identifiers: ClinVar variation 1760469 (VCV001760469.3), dbSNP rs767667150, ClinGen allele CA338228194.
Genomic context (GRCh38, chr1:17,044,837, plus strand): 5'-CATAAGTCTGCATATGAGGTTTGTCTCCAGCCTTGTCTGGGTCCCATCGATAGATGGCAA[A>T]TTTCTTGATACGGGGAGCTGTGGCTGCAGCTGTCTGGGCTCCTCGGGAGGCCTGAAATTT-3'
Protein context (NP_002991.2, residues 32-52): AAATAPRIKK[Phe42Ile]AIYRWDPDKA

ClinVar aggregate classification (germline): Uncertain significance (1 of 4 stars; one submission).

Conditions:
Hereditary cancer-predisposing syndrome. Also called: Neoplastic Syndromes, Hereditary; Tumor predisposition; Hereditary Cancer Syndrome; Hereditary neoplastic syndrome. Identifiers: Orphanet 140162, MedGen C0027672, MeSH D009386, MONDO:0015356.

Submission:

Ambry Genetics
Classification: Uncertain significance for Hereditary cancer-predisposing syndrome. Last evaluated: 2025-09-30. Review status: criteria provided, single submitter. Criteria: Ambry Variant Classification Scheme 2023. Collection method: clinical testing. Allele origin: germline.
Comment: The p.F42I variant (also known as c.124T>A), located in coding exon 2 of the SDHB gene, results from a T to A substitution at nucleotide position 124. The phenylalanine at codon 42 is replaced by isoleucine, an amino acid with highly similar properties. This amino acid position is conserved. In addition, this alteration is predicted to be deleterious by in silico analysis. Based on the available evidence, the clinical significance of this variant remains unclear.